The following is an entry in ClinVar:

NM_001130823.3(DNMT1):c.1312A>G (p.Ile438Val)

Gene: DNMT1 (DNA methyltransferase 1; minus strand). Cytogenetic location: 19p13.2.
Variant type: single nucleotide variant.
Coding change: c.1312A>G on transcript NM_001130823.3 (MANE Select); coding-DNA position 1312, A replaced by G.
Protein change: p.Ile438Val; replaces isoleucine 438 with valine.
Molecular consequence: missense variant.
Genome position (GRCh38, 1-based): chr19:10,156,478, T>C on the plus strand (A>G on the coding strand, the complement: DNMT1 is on the minus strand). VCF-style: chr19-10156478-T-C. GRCh37 (hg19) VCF-style: chr19-10267154-T-C.
Other names: c.1264A>G, p.Ile422Val (NM_001318730.2, NM_001379.4); c.949A>G, p.Ile317Val (NM_001318731.2); short protein forms I317V, I438V, I422V.
Identifiers: ClinVar variation 4995381 (VCV004995381.1).
Genomic context (GRCh38, chr19:10,156,478, plus strand): 5'-TTGGTTTTGCTGAACCAGAAAAGAAGAGTTCGATATTCTTCTCGATGAGGCCGGTGTCGA[T>C]GGGACACAGGTGACCGTGCTTACAGTACACACTAGACAGGAAACAAAGCACATGCTTACC-3'
Protein context (NP_001124295.1, residues 428-448): VYCKHGHLCP[Ile438Val]DTGLIEKNIE

ClinVar aggregate classification (germline): Uncertain significance (1 of 4 stars; one submission).

Conditions:
DNMT1-related disorder. Also called: DNMT1-related condition. Identifiers: MedGen CN381527.

Submission:

PreventionGenetics, part of Exact Sciences
Classification: Uncertain significance for DNMT1-related condition. Last evaluated: 2026-09-04. Review status: criteria provided, single submitter. Criteria: ACMG Guidelines, 2015. Collection method: clinical testing. Allele origin: germline.
Comment: The DNMT1 c.1312A>G variant is predicted to result in the amino acid substitution p.Ile438Val. To our knowledge, this variant has not been reported in the literature or in a large population database (gnomAD), indicating this variant is rare. At this time, the clinical significance of this variant is uncertain due to the absence of conclusive functional and genetic evidence.